The following is an entry in ClinVar:

NM_000297.4(PKD2):c.239C>T (p.Ser80Leu)

Genes: PKD2 (polycystin 2, transient receptor potential cation channel; plus strand), LOC129992813 (ATAC-STARR-seq lymphoblastoid silent region 15559; plus strand). Cytogenetic location: 4q22.1.
Variant type: single nucleotide variant.
Coding change: c.239C>T on transcript NM_000297.4 (MANE Select); coding-DNA position 239, C replaced by T.
Protein change: p.Ser80Leu; replaces serine 80 with leucine.
Molecular consequence: missense variant. On other transcripts: non-coding transcript variant (1).
Genome position (GRCh38, 1-based): chr4:88,007,972, C>T. VCF-style: chr4-88007972-C-T. GRCh37 (hg19) VCF-style: chr4-88929124-C-T.
Other names: short protein forms S80L.
Identifiers: ClinVar variation 2046197 (VCV002046197.4), dbSNP rs568249293, ClinGen allele CA357625831.

ClinVar aggregate classification (germline): Uncertain significance (1 of 4 stars; one submission).

Conditions:
Autosomal dominant polycystic kidney disease. Identifiers: Orphanet 730, MedGen C0085413, MONDO:0004691.

gnomAD v4.1: 8 of 1,503,490 alleles (0.00053%); highest among the groups gnomAD compares: Non-Finnish European, 0.00044%; no homozygotes.

Submission:

Labcorp Genetics (formerly Invitae), Labcorp
Classification: Uncertain significance for Autosomal dominant polycystic kidney disease. Last evaluated: 2025-06-12. Review status: criteria provided, single submitter. Criteria: Invitae Variant Classification Sherloc (09022015). Collection method: clinical testing. Allele origin: germline.
Comment: This sequence change replaces serine, which is neutral and polar, with leucine, which is neutral and non-polar, at codon 80 of the PKD2 protein (p.Ser80Leu). This variant is not present in population databases (gnomAD no frequency). This variant has not been reported in the literature in individuals affected with PKD2-related conditions. ClinVar contains an entry for this variant (Variation ID: 2046197). An algorithm developed to predict the effect of missense changes on protein structure and function (PolyPhen-2) suggests that this variant is likely to be disruptive. In summary, the available evidence is currently insufficient to determine the role of this variant in disease. Therefore, it has been classified as a Variant of Uncertain Significance.